The following is an entry in ClinVar:

ClinVar aggregate classification (germline): Likely benign (0 of 4 stars; one submission).

Conditions:
CXCL12-related disorder. Also called: CXCL12-related condition.

Allele frequency attached by ClinVar (database versions not stated): gnomAD exomes 0.00003; gnomAD 0.00004; TOPMed 0.00006; ExAC 0.00010.

Submission:

PreventionGenetics, part of Exact Sciences
Classification: Likely benign for CXCL12-related condition. Last evaluated: 2019-02-21. Review status: no assertion criteria provided. Collection method: clinical testing. Allele origin: germline.
Comment: This variant is classified as likely benign based on ACMG/AMP sequence variant interpretation guidelines (Richards et al. 2015 PMID: 25741868, with internal and published modifications).

NM_199168.4(CXCL12):c.*749C>T

Gene: CXCL12 (C-X-C motif chemokine ligand 12; minus strand). Cytogenetic location: 10q11.21.
Variant type: single nucleotide variant.
Coding change: c.*749C>T on transcript NM_199168.4 (MANE Select); 749 bases downstream of the stop codon, C replaced by T.
Molecular consequence: 3 prime UTR variant. On other transcripts: synonymous variant (1), intron variant (3).
Genome position (GRCh38, 1-based): chr10:44,377,884, G>A on the plus strand (C>T on the coding strand, the complement: CXCL12 is on the minus strand). VCF-style: chr10-44377884-G-A. GRCh37 (hg19) VCF-style: chr10-44873332-G-A.
Other names: c.288C>T, p.Ala96= (NM_001178134.2); c.109+2949C>T (NM_001277990.2); c.266+753C>T (NM_000609.7, NM_001033886.2).
Identifiers: ClinVar variation 3058031 (VCV003058031.2), dbSNP rs749109249, ClinGen allele CA5479129.